The following is an entry in ClinVar:

NM_152564.5(VPS13B):c.11577T>C (p.His3859=)

Gene: VPS13B (vacuolar protein sorting 13 homolog B; plus strand). Cytogenetic location: 8q22.2.
Variant type: single nucleotide variant.
Coding change: c.11577T>C on transcript NM_152564.5 (MANE Select); coding-DNA position 11577, T replaced by C.
Protein change: p.His3859=; no amino-acid change (histidine 3859 retained).
Molecular consequence: synonymous variant.
Genome position (GRCh38, 1-based): chr8:99,871,529, T>C. VCF-style: chr8-99871529-T-C. GRCh37 (hg19) VCF-style: chr8-100883757-T-C.
Other names: c.11652T>C, p.His3884= (NM_017890.5).
Identifiers: ClinVar variation 1155280 (VCV001155280.32), dbSNP rs771158927, ClinGen allele CA4825282.
Genomic context (GRCh38, chr8:99,871,529, plus strand): 5'-CAGACCAGAAGTCCACATGGCCCTGGACGTGGTTCTGGTGAGGGGCTCAGGCCAGGAGCA[T>C]GAAGGGTGCTTGCTGCTGACATCAGAAGTGCTCTTCGTGGTGAGTGTCAGTGAGGACACA-3'
Protein context (NP_689777.3, residues 3849-3869): VVLVRGSGQE[His3859=]EGCLLLTSEV

ClinVar aggregate classification (germline): Likely benign. Review status: criteria provided, multiple submitters, no conflicts (2 of 4 stars). 2 submissions from 2 submitters: Likely benign (2). Last evaluated 2024-01-16.

Conditions:
Cohen syndrome (COH1). Also called: Cutis verticis gyrata, retinitis pigmentosa, and sensorineural deafness; PEPPER SYNDROME. Identifiers: Orphanet 193, MedGen C0265223, MONDO:0008999, OMIM 216550.

Allele frequency attached by ClinVar (database versions not stated): TOPMed below 0.00001; ExAC 0.00001; gnomAD exomes 0.00001.
gnomAD v4.1: 3 of 1,614,212 alleles (0.00019%); highest among the groups gnomAD compares: Non-Finnish European, 0.00025%; no homozygotes.

Submissions (2):

Labcorp Genetics (formerly Invitae), Labcorp
Classification: Likely benign for Cohen syndrome. Last evaluated: 2024-01-16. Review status: criteria provided, single submitter. Criteria: Invitae Variant Classification Sherloc (09022015). Collection method: clinical testing. Allele origin: germline.

CeGaT Center for Human Genetics Tuebingen
Classification: Likely benign. Last evaluated: 2023-05-01. Review status: criteria provided, single submitter. Criteria: CeGaT Center For Human Genetics Tuebingen Variant Classification Criteria Version 2. Collection method: clinical testing. Allele origin: germline. Affected: yes. Observed: 2 variant alleles.
Comment: VPS13B: BP4, BP7